The following is an entry in ClinVar:

ClinVar aggregate classification (germline): Uncertain significance (1 of 4 stars; one submission).

Conditions:
POLD1-related polyposis and colorectal cancer syndrome (CRCS10). Also called: Colorectal cancer, susceptibility to, 10; Colorectal cancer 10; COLORECTAL CANCER, SUSCEPTIBILITY TO, ON CHROMOSOME 19q. Identifiers: Orphanet 220460, MedGen C2675481, MONDO:0012953, OMIM 612591.

Submission:

Labcorp Genetics (formerly Invitae), Labcorp
Classification: Uncertain significance for POLD1-related polyposis and colorectal cancer syndrome. Last evaluated: 2021-09-04. Review status: criteria provided, single submitter. Criteria: Invitae Variant Classification Sherloc (09022015). Collection method: clinical testing. Allele origin: germline.
Comment: In summary, the available evidence is currently insufficient to determine the role of this variant in disease. Therefore, it has been classified as a Variant of Uncertain Significance. Algorithms developed to predict the effect of missense changes on protein structure and function are either unavailable or do not agree on the potential impact of this missense change (SIFT: "Tolerated"; PolyPhen-2: "Possibly Damaging"; Align-GVGD: "Class C0"). This variant has not been reported in the literature in individuals affected with POLD1-related conditions. This variant is not present in population databases (ExAC no frequency). This sequence change replaces leucine with valine at codon 94 of the POLD1 protein (p.Leu94Val). The leucine residue is moderately conserved and there is a small physicochemical difference between leucine and valine.

NM_002691.4(POLD1):c.280C>G (p.Leu94Val)

Gene: POLD1 (DNA polymerase delta 1, catalytic subunit; plus strand). Cytogenetic location: 19q13.33.
Variant type: single nucleotide variant.
Coding change: c.280C>G on transcript NM_002691.4 (MANE Select); coding-DNA position 280, C replaced by G.
Protein change: p.Leu94Val; replaces leucine 94 with valine.
Molecular consequence: missense variant. On other transcripts: non-coding transcript variant (1).
Genome position (GRCh38, 1-based): chr19:50,399,448, C>G. VCF-style: chr19-50399448-C-G. GRCh37 (hg19) VCF-style: chr19-50902705-C-G.
Other names: c.280C>G, p.Leu94Val (NM_001256849.1, NM_001308632.1); short protein forms L94V.
Identifiers: ClinVar variation 1379498 (VCV001379498.6), dbSNP rs2122203309, ClinGen allele CA406970568.